The following is an entry in ClinVar:

ClinVar aggregate classification (germline): Conflicting classifications of pathogenicity. Review status: criteria provided, conflicting classifications (1 of 4 stars). 3 submissions from 3 submitters: Uncertain significance (1); Likely benign (2). Last evaluated 2025-12-08.

Conditions:
CDK5RAP2-related disorder. Also called: CDK5RAP2-related condition.

Allele frequency attached by ClinVar (database versions not stated): gnomAD exomes 0.00005 and 0.00014; ExAC 0.00016; ESP Exome Variant Server 0.00038; TOPMed 0.00055; gnomAD 0.00060 and 0.00066; 1000 Genomes Project 30x 0.00062; 1000 Genomes Project 0.00080.
gnomAD v4.1: 169 of 1,612,742 alleles (0.01%); highest among the groups gnomAD compares: African/African-American, 0.19%; 1 homozygote.

Submissions (3):

Labcorp Genetics (formerly Invitae), Labcorp
Classification: Likely benign. Last evaluated: 2025-12-08. Review status: criteria provided, single submitter. Criteria: Invitae Variant Classification Sherloc (09022015). Collection method: clinical testing. Allele origin: germline.

PreventionGenetics, part of Exact Sciences
Classification: Likely benign for CDK5RAP2-related condition. Last evaluated: 2024-10-28. Review status: criteria provided, single submitter. Criteria: ACMG Guidelines, 2015. Collection method: clinical testing. Allele origin: germline.
Comment: This variant is classified as likely benign based on ACMG/AMP sequence variant interpretation guidelines (Richards et al. 2015 PMID: 25741868, with internal and published modifications).

Genetic Services Laboratory, University of Chicago
Classification: Uncertain significance. Last evaluated: 2016-10-13. Review status: criteria provided, single submitter. Criteria: ACMG Guidelines, 2015. Collection method: clinical testing. Allele origin: germline. Affected: no.

NM_018249.6(CDK5RAP2):c.55T>C (p.Cys19Arg)

Gene: CDK5RAP2 (CDK5 regulatory subunit associated protein 2; minus strand). Cytogenetic location: 9q33.2.
Variant type: single nucleotide variant.
Coding change: c.55T>C on transcript NM_018249.6 (MANE Select); coding-DNA position 55, T replaced by C.
Protein change: p.Cys19Arg; replaces cysteine 19 with arginine.
Molecular consequence: missense variant. On other transcripts: non-coding transcript variant (5).
Genome position (GRCh38, 1-based): chr9:120,579,924, A>G on the plus strand (T>C on the coding strand, the complement: CDK5RAP2 is on the minus strand). VCF-style: chr9-120579924-A-G. GRCh37 (hg19) VCF-style: chr9-123342202-A-G.
Other names: c.55T>C, p.Cys19Arg (NM_001011649.3, NM_001272039.2); short protein forms C19R.
Identifiers: ClinVar variation 434651 (VCV000434651.14), dbSNP rs143766657, ClinGen allele CA5214890.